The following is an entry in ClinVar:

ClinVar aggregate classification (germline): Conflicting classifications of pathogenicity. Review status: criteria provided, conflicting classifications (1 of 4 stars). 5 submissions from 5 submitters: Uncertain significance (1); Likely benign (4). Last evaluated 2026-01-27.

Conditions:
Microcephaly and chorioretinopathy 1. Also called: Microcephaly and chorioretinopathy, autosomal recessive, 1. Identifiers: MedGen C3278481, MONDO:0009624, OMIM 251270.

Allele frequency attached by ClinVar (database versions not stated): ESP Exome Variant Server 0.00008; gnomAD exomes 0.00018 and 0.00056; gnomAD 0.00020 and 0.00025; TOPMed 0.00039; ExAC 0.00052; 1000 Genomes Project 0.00160.

Submissions (5):

Labcorp Genetics (formerly Invitae), Labcorp
Classification: Likely benign. Last evaluated: 2026-01-27. Review status: criteria provided, single submitter. Criteria: Invitae Variant Classification Sherloc (09022015). Collection method: clinical testing. Allele origin: germline.

CeGaT Center for Human Genetics Tuebingen
Classification: Likely benign. Last evaluated: 2025-05-01. Review status: criteria provided, single submitter. Criteria: CeGaT Center For Human Genetics Tuebingen Variant Classification Criteria Version 2. Collection method: clinical testing. Allele origin: germline. Affected: yes. Observed: 2 variant alleles.
Comment: TUBGCP6: BP4

Blueprint Genetics
Classification: Likely benign. Last evaluated: 2024-11-15. Review status: criteria provided, single submitter. Criteria: ACMG Guidelines, 2015. Collection method: clinical testing. Allele origin: germline.

Knight Diagnostic Laboratories, Oregon Health and Sciences University
Classification: Likely benign for Microcephaly and chorioretinopathy, autosomal recessive, 1. Last evaluated: 2018-09-13. Review status: criteria provided, single submitter. Criteria: ACMG Guidelines, 2015. Collection method: clinical testing. Allele origin: germline. Observed: 1 variant allele.

Genetic Services Laboratory, University of Chicago
Classification: Uncertain significance. Last evaluated: 2015-02-19. Review status: criteria provided, single submitter. Criteria: ACMG Guidelines, 2015. Collection method: clinical testing. Allele origin: germline.

NM_020461.4(TUBGCP6):c.5285C>T (p.Pro1762Leu)

Gene: TUBGCP6 (tubulin gamma complex component 6; minus strand). Cytogenetic location: 22q13.33.
Variant type: single nucleotide variant.
Coding change: c.5285C>T on transcript NM_020461.4 (MANE Select); coding-DNA position 5285, C replaced by T.
Protein change: p.Pro1762Leu; replaces proline 1762 with leucine.
Molecular consequence: missense variant.
Genome position (GRCh38, 1-based): chr22:50,218,001, G>A on the plus strand (C>T on the coding strand, the complement: TUBGCP6 is on the minus strand). VCF-style: chr22-50218001-G-A. GRCh37 (hg19) VCF-style: chr22-50656430-G-A.
Other names: short protein forms P1762L.
Identifiers: ClinVar variation 212516 (VCV000212516.61), dbSNP rs201721812, ClinGen allele CA206250.